The following is an entry in ClinVar:

NM_000455.5(STK11):c.536_550del (p.Pro179_Leu183del)

Gene: STK11 (serine/threonine kinase 11; plus strand). Cytogenetic location: 19p13.3.
Variant type: Deletion.
Coding change: c.536_550del on transcript NM_000455.5 (MANE Select); coding-DNA positions 536 to 550, 15 bases deleted (CGGGGAACCTGCTGC).
Protein change: p.Pro179_Leu183del.
Molecular consequence: non-coding transcript variant (on NR_176325.1).
Genome position (GRCh38, 1-based): chr19:1,220,444-1,220,458, CGGGGAACCTGCTGC deleted; deleting any 15 consecutive bases within chr19:1,220,442-1,220,458 gives the same sequence; the c. name uses the placement nearest the transcript's 3' end. VCF-style (leftmost placement, unchanged base first): chr19-1220441-AGCCGGGGAACCTGCT-A. GRCh37 (hg19) VCF-style: chr19-1220440-AGCCGGGGAACCTGCT-A.
Other names: c.536_550del, p.Pro179_Leu183del (NM_001407255.1).
Identifiers: ClinVar variation 3652838 (VCV003652838.2).
Genomic context (GRCh38, chr19:1,220,441, plus strand): 5'-GTCAGCTGATTGACGGCCTGGAGTACCTGCATAGCCAGGGCATTGTGCACAAGGACATCA[AGCCGGGGAACCTGCT>A]GCTCACCACCGGTGGCACCCTCAAAATCTCCGACCTGGGCGTGGCCGAGGTAGGCACGTG-3'

ClinVar aggregate classification (germline): Pathogenic (1 of 4 stars; one submission).

Conditions:
Peutz-Jeghers syndrome (PJS). Also called: POLYPOSIS, HAMARTOMATOUS INTESTINAL; POLYPS-AND-SPOTS SYNDROME; Peutz-Jeghers polyposis; Periorificial lentiginosis syndrome. Identifiers: Orphanet 2869, MedGen C0031269, MeSH D010580, MONDO:0008280, OMIM 175200.

Submission:

Labcorp Genetics (formerly Invitae), Labcorp
Classification: Pathogenic for Peutz-Jeghers syndrome. Last evaluated: 2024-06-25. Review status: criteria provided, single submitter. Criteria: Invitae Variant Classification Sherloc (09022015). Collection method: clinical testing. Allele origin: germline.
Comment: This variant, c.536_550del, results in the deletion of 5 amino acid(s) of the STK11 protein (p.Pro179_Leu183del), but otherwise preserves the integrity of the reading frame. This variant is not present in population databases (gnomAD no frequency). This variant has not been reported in the literature in individuals affected with STK11-related conditions. This variant disrupts a region of the STK11 protein in which other variant(s) (p.Asn181Lys) have been determined to be pathogenic (Invitae). This suggests that this is a clinically significant region of the protein, and that variants that disrupt it are likely to be disease-causing. For these reasons, this variant has been classified as Pathogenic.